The following is an entry in ClinVar:

NM_004415.4(DSP):c.8360A>T (p.Asp2787Val)

Gene: DSP (desmoplakin; plus strand). Cytogenetic location: 6p24.3.
Variant type: single nucleotide variant.
Coding change: c.8360A>T on transcript NM_004415.4 (MANE Select); coding-DNA position 8360, A replaced by T.
Protein change: p.Asp2787Val; replaces aspartic acid 2787 with valine.
Molecular consequence: missense variant.
Genome position (GRCh38, 1-based): chr6:7,585,622, A>T. VCF-style: chr6-7585622-A-T. GRCh37 (hg19) VCF-style: chr6-7585855-A-T.
Other names: c.6563A>T, p.Asp2188Val (NM_001008844.3); c.7031A>T, p.Asp2344Val (NM_001319034.2); short protein forms D2344V, D2188V, D2787V.
Identifiers: ClinVar variation 923846 (VCV000923846.5), dbSNP rs1759637183, ClinGen allele CA362694997.

ClinVar aggregate classification (germline): Uncertain significance (1 of 4 stars; one submission).

Conditions:
Cardiomyopathy (CMYO). Also called: Cardiomyopathies. Identifiers: Orphanet 167848, MedGen C0878544, MONDO:0004994, HP:0001638. Inheritance: Various modes of inheritance.

Allele frequency attached by ClinVar (database versions not stated): gnomAD exomes below 0.00001.
gnomAD v4.1: 4 of 1,614,238 alleles (0.00025%); highest among the groups gnomAD compares: Non-Finnish European, 0.00034%; no homozygotes.

Submission:

Color Diagnostics, LLC DBA Color Health
Classification: Uncertain significance for Cardiomyopathy. Last evaluated: 2023-12-04. Review status: criteria provided, single submitter. Criteria: ACMG Guidelines, 2015. Collection method: clinical testing. Allele origin: germline.
Comment: Variant of Uncertain Significance due to insufficient evidence: This missense variant is located in the C-terminal plakin repeat domain C of the DSP protein. Computational prediction tools and conservation analyses are inconclusive regarding the impact of this variant on the protein function. Computational splicing tools suggest that this variant may not impact RNA splicing. To our knowledge, functional assays have not been performed for this variant nor has this variant been reported in individuals affected with cardiovascular disorders in the literature. This variant is rare in the general population and has been identified in 0/277264 chromosomes by the Genome Aggregation Database (gnomAD). Available evidence is insufficient to determine the pathogenicity of this variant conclusively.